The following is an entry in ClinVar:

NM_003001.5(SDHC):c.410G>T (p.Trp137Leu)

Gene: SDHC (succinate dehydrogenase complex subunit C; plus strand). Cytogenetic location: 1q23.3.
Variant type: single nucleotide variant.
Coding change: c.410G>T on transcript NM_003001.5 (MANE Select); coding-DNA position 410, G replaced by T.
Protein change: p.Trp137Leu; replaces tryptophan 137 with leucine.
Molecular consequence: missense variant. On other transcripts: synonymous variant (3), non-coding transcript variant (1).
Genome position (GRCh38, 1-based): chr1:161,362,333, G>T. VCF-style: chr1-161362333-G-T. GRCh37 (hg19) VCF-style: chr1-161332123-G-T.
Other names: c.246G>T, p.Val82= (NM_001035511.3); c.308G>T, p.Trp103Leu (NM_001035512.3); c.251G>T, p.Trp84Leu (NM_001035513.3); c.144G>T, p.Val48= (NM_001278172.3); c.530G>T, p.Trp177Leu (NM_001407115.1); c.353G>T, p.Trp118Leu (NM_001407116.1); c.347G>T, p.Trp116Leu (NM_001407117.1); c.302G>T, p.Trp101Leu (NM_001407118.1); and 2 more; short protein forms W137L, W84L, W103L, W100L, W116L, W101L, W118L, W177L.
Identifiers: ClinVar variation 407046 (VCV000407046.8), dbSNP rs1060501385, ClinGen allele CA16609906.

ClinVar aggregate classification (germline): Uncertain significance. Review status: criteria provided, multiple submitters, no conflicts (2 of 4 stars). 2 submissions from 2 submitters: Uncertain significance (2). Last evaluated 2026-04-24.

Conditions:
Pheochromocytoma/paraganglioma syndrome 3. Also called: GLOMUS TUMORS, FAMILIAL, 3; SDHC-Related Hereditary Paraganglioma-Pheochromocytoma Syndrome (Paragangliomas 3); Paragangliomas 3; SDHC-Related Hereditary Paraganglioma-Pheochromocytoma Syndrome. Identifiers: Orphanet 29072, MedGen C1854336, MONDO:0011544, OMIM 605373.
Gastrointestinal stromal tumor. Also called: Gastrointestinal stromal tumor, somatic; Gastrointestinal stroma tumor. Identifiers: Orphanet 44890, MedGen C0238198, MeSH D046152, MONDO:0011719, OMIM 606764, HP:0100723.
Hereditary cancer-predisposing syndrome. Also called: Neoplastic Syndromes, Hereditary; Hereditary Cancer Syndrome; Hereditary neoplastic syndrome; Tumor predisposition. Identifiers: Orphanet 140162, MedGen C0027672, MeSH D009386, MONDO:0015356.

Submissions (2):

Ambry Genetics
Classification: Uncertain significance for Hereditary cancer-predisposing syndrome. Last evaluated: 2026-04-24. Review status: criteria provided, single submitter. Criteria: Ambry Variant Classification Scheme 2023. Collection method: clinical testing. Allele origin: germline.
Comment: The p.W137L variant (also known as c.410G>T), located in coding exon 6 of the SDHC gene, results from a G to T substitution at nucleotide position 410. The tryptophan at codon 137 is replaced by leucine, an amino acid with similar properties. This amino acid position is conserved. In addition, this alteration is predicted to be deleterious by in silico analysis. Based on the available evidence, the clinical significance of this variant remains unclear.

Labcorp Genetics (formerly Invitae), Labcorp
Classification: Uncertain significance for Pheochromocytoma/paraganglioma syndrome 3; Gastrointestinal stromal tumor. Last evaluated: 2016-07-06. Review status: criteria provided, single submitter. Criteria: Invitae Variant Classification Sherloc (09022015). Collection method: clinical testing. Allele origin: germline.
Comment: In summary, this variant is a novel missense change with uncertain impact on protein function. It has been classified as a Variant of Uncertain Significance. Algorithms developed to predict the effect of missense changes on protein structure and function do not agree on the potential impact of this missense change (SIFT: "Deleterious"; PolyPhen-2: "Possibly Damaging"; Align-GVGD: "Class C0"). This variant is not present in population databases (ExAC no frequency) and has not been reported in the literature in individuals with a SDHC-related disease. This sequence change replaces tryptophan with leucine at codon 137 of the SDHC protein (p.Trp137Leu). The tryptophan residue is moderately conserved and there is a small physicochemical difference between tryptophan and leucine.